The following is an entry in ClinVar:

ClinVar aggregate classification (germline): Uncertain significance. Review status: criteria provided, multiple submitters, no conflicts (2 of 4 stars). 3 submissions from 3 submitters: Uncertain significance (3). Last evaluated 2023-11-27.

Conditions:
Inborn genetic diseases. Identifiers: MedGen C0950123, MeSH D030342.
Charcot-Marie-Tooth disease type 2. Also called: Charcot-Marie-Tooth type 2. Identifiers: Orphanet 64746, MedGen C0270914, MONDO:0018993.

Allele frequency attached by ClinVar (database versions not stated): gnomAD exomes below 0.00001; gnomAD 0.00001; TOPMed 0.00001.

Submissions (3):

Ambry Genetics
Classification: Uncertain significance for Inborn genetic diseases. Last evaluated: 2023-11-27. Review status: criteria provided, single submitter. Criteria: Ambry Variant Classification Scheme 2023. Collection method: clinical testing. Allele origin: germline.
Comment: The alteration results in an amino acid change:_x000D_ _x000D_ The c.310T>C (p.W104R) alteration is located in exon 3 (coding exon 2) of the AARS gene. This alteration results from a T to C substitution at nucleotide position 310, causing the tryptophan (W) at amino acid position 104 to be replaced by an arginine (R). The alteration is not observed in population databases: _x000D_ _x000D_ Based on data from the Genome Aggregation Database (gnomAD), the AARS c.310T>C alteration was not observed, with coverage at this position. The altered amino acid is conserved throughout evolution:_x000D_ _x000D_ The p.W104 amino acid is conserved in available vertebrate species. The alteration is predicted deleterious by in silico models:_x000D_ _x000D_ The p.W104R alteration is predicted to be probably damaging by Polyphen and deleterious by SIFT in silico analyses. Based on insufficient or conflicting evidence, the clinical significance of this alteration remains unclear.

Labcorp Genetics (formerly Invitae), Labcorp
Classification: Uncertain significance for Charcot-Marie-Tooth disease type 2. Last evaluated: 2023-03-27. Review status: criteria provided, single submitter. Criteria: Invitae Variant Classification Sherloc (09022015). Collection method: clinical testing. Allele origin: germline.
Comment: In summary, the available evidence is currently insufficient to determine the role of this variant in disease. Therefore, it has been classified as a Variant of Uncertain Significance. Advanced modeling of protein sequence and biophysical properties (such as structural, functional, and spatial information, amino acid conservation, physicochemical variation, residue mobility, and thermodynamic stability) performed at Invitae indicates that this missense variant is expected to disrupt AARS protein function. ClinVar contains an entry for this variant (Variation ID: 379487). This variant has not been reported in the literature in individuals affected with AARS-related conditions. This variant is not present in population databases (gnomAD no frequency). This sequence change replaces tryptophan, which is neutral and slightly polar, with arginine, which is basic and polar, at codon 104 of the AARS protein (p.Trp104Arg).

GeneDx
Classification: Uncertain significance. Last evaluated: 2016-05-17. Review status: criteria provided, single submitter. Criteria: GeneDx Variant Classification (06012015). Collection method: clinical testing. Allele origin: germline. Affected: yes.
Comment: A variant of uncertain significance has been identified in the AARS gene. The W104R variant has not been published as a pathogenic variant, nor has it been reported as a benign variant to our knowledge. It was not observed in approximately 6,500 individuals of European and African American ancestry in the NHLBI Exome Sequencing Project, indicating it is not a common benign variant in these populations. The W104R variant is a non-conservative amino acid substitution, which is likely to impact secondary protein structure as these residues differ in polarity, charge, size and/or other properties. This substitution occurs at a position that is conserved across species and in silico analysis predicts this variant is probably damaging to the protein structure/function. However, based on the currently available information, it is unclear whether this variant is a pathogenic variant or a rare benign variant.

NM_001605.3(AARS1):c.310T>C (p.Trp104Arg)

Gene: AARS1 (alanyl-tRNA synthetase 1; minus strand). Cytogenetic location: 16q22.1.
Variant type: single nucleotide variant.
Coding change: c.310T>C on transcript NM_001605.3 (MANE Select); coding-DNA position 310, T replaced by C.
Protein change: p.Trp104Arg; replaces tryptophan 104 with arginine.
Molecular consequence: missense variant.
Genome position (GRCh38, 1-based): chr16:70,276,989, A>G on the plus strand (T>C on the coding strand, the complement: AARS1 is on the minus strand). VCF-style: chr16-70276989-A-G. GRCh37 (hg19) VCF-style: chr16-70310892-A-G.
Other names: short protein forms W104R.
Identifiers: ClinVar variation 379487 (VCV000379487.11), dbSNP rs1057520616, ClinGen allele CA16607386.